The following is an entry in ClinVar:

NM_001364857.2(ADGRB2):c.2809G>C (p.Val937Leu)

Gene: ADGRB2 (adhesion G protein-coupled receptor B2; minus strand). Cytogenetic location: 1p35.2.
Variant type: single nucleotide variant.
Coding change: c.2809G>C on transcript NM_001364857.2 (MANE Select); coding-DNA position 2809, G replaced by C.
Protein change: p.Val937Leu; replaces valine 937 with leucine.
Molecular consequence: missense variant.
Genome position (GRCh38, 1-based): chr1:31,737,719, C>G on the plus strand (G>C on the coding strand, the complement: ADGRB2 is on the minus strand). VCF-style: chr1-31737719-C-G. GRCh37 (hg19) VCF-style: chr1-32203320-C-G.
Other names: c.2809G>C (NM_001703.2); c.2809G>C, p.Val937Leu (NM_001294335.2, NM_001294336.2); short protein forms V937L.
Identifiers: ClinVar variation 1413412 (VCV001413412.9), dbSNP rs1194925948, ClinGen allele CA339604762.

ClinVar aggregate classification (germline): Uncertain significance. Review status: criteria provided, multiple submitters, no conflicts (2 of 4 stars). 2 submissions from 2 submitters: Uncertain significance (2). Last evaluated 2025-03-20.

Allele frequency attached by ClinVar (database versions not stated): gnomAD exomes below 0.00001; TOPMed below 0.00001; gnomAD 0.00001.

Submissions (2):

Ambry Genetics
Classification: Uncertain significance. Last evaluated: 2025-03-20. Review status: criteria provided, single submitter. Criteria: Ambry Variant Classification Scheme 2023. Collection method: clinical testing. Allele origin: germline.

Labcorp Genetics (formerly Invitae), Labcorp
Classification: Uncertain significance. Last evaluated: 2022-03-27. Review status: criteria provided, single submitter. Criteria: Invitae Variant Classification Sherloc (09022015). Collection method: clinical testing. Allele origin: germline.
Comment: Algorithms developed to predict the effect of missense changes on protein structure and function (SIFT, PolyPhen-2, Align-GVGD) all suggest that this variant is likely to be tolerated. This variant has not been reported in the literature in individuals affected with ADGRB2-related conditions. This variant is not present in population databases (gnomAD no frequency). This sequence change replaces valine, which is neutral and non-polar, with leucine, which is neutral and non-polar, at codon 937 of the ADGRB2 protein (p.Val937Leu). In summary, the available evidence is currently insufficient to determine the role of this variant in disease. Therefore, it has been classified as a Variant of Uncertain Significance.